The following is an entry in ClinVar:

ClinVar aggregate classification (germline): Uncertain significance. Review status: criteria provided, single submitter (1 of 4 stars). 2 submissions from 2 submitters: Uncertain significance (1). 1 of the submissions does not count toward it. Last evaluated 2022-12-12.

Conditions:
GLI2-related disorder. Also called: GLI2-related condition; GLI2-related disorders.
Disorder of sexual differentiation. Also called: Disorder of sex development; Difference of sexual differentiation. Identifiers: Orphanet 90771, MedGen C2930619, MONDO:0002145.

Allele frequency attached by ClinVar (database versions not stated): gnomAD exomes below 0.00001.
gnomAD v4.1: 1 of 1,614,146 alleles (0.000062%); highest among the groups gnomAD compares: Non-Finnish European, 0.000085%; no homozygotes.

Submissions (2):

PreventionGenetics, part of Exact Sciences
Classification: Uncertain significance for GLI2-related condition. Last evaluated: 2022-12-12. Review status: criteria provided, single submitter. Criteria: ACMG Guidelines, 2015. Collection method: clinical testing. Allele origin: germline.
Comment: The GLI2 c.1289C>G variant is predicted to result in the amino acid substitution p.Ala430Gly. To our knowledge, this variant has not been reported in the literature or in a large population database, indicating this variant is rare. At this time, the clinical significance of this variant is uncertain due to the absence of conclusive functional and genetic evidence.

Human Developmental Genetics, Institut Pasteur
Classification: Uncertain significance for Disorder of sexual differentiation. Last evaluated: 2021-08-15. Review status: no assertion criteria provided. Collection method: research. Allele origin: unknown. Inheritance: Autosomal dominant inheritance. Affected: yes. Observed: 1 variant allele, 1 heterozygote. Not counted in ClinVar's aggregate classification.

NM_001374353.1(GLI2):c.1238C>G (p.Ala413Gly)

Gene: GLI2 (GLI family zinc finger 2; plus strand). Cytogenetic location: 2q14.2.
Variant type: single nucleotide variant.
Coding change: c.1238C>G on transcript NM_001374353.1 (MANE Select); coding-DNA position 1238, C replaced by G.
Protein change: p.Ala413Gly; replaces alanine 413 with glycine.
Molecular consequence: missense variant.
Genome position (GRCh38, 1-based): chr2:120,975,030, C>G. VCF-style: chr2-120975030-C-G. GRCh37 (hg19) VCF-style: chr2-121732606-C-G.
Other names: c.1289C>G, p.Ala430Gly (NM_001371271.1, NM_005270.5); c.863C>G, p.Ala288Gly (NM_001374354.1); short protein forms A288G, A413G, A430G.
Identifiers: ClinVar variation 1202605 (VCV001202605.3), dbSNP rs2105036633, ClinGen allele CA348161170.